The following is an entry in ClinVar:

NM_144631.6(ZNF513):c.794C>G (p.Pro265Arg)

Gene: ZNF513 (zinc finger protein 513; minus strand). Cytogenetic location: 2p23.3.
Variant type: single nucleotide variant.
Coding change: c.794C>G on transcript NM_144631.6 (MANE Select); coding-DNA position 794, C replaced by G.
Protein change: p.Pro265Arg; replaces proline 265 with arginine.
Molecular consequence: missense variant.
Genome position (GRCh38, 1-based): chr2:27,378,472, G>C on the plus strand (C>G on the coding strand, the complement: ZNF513 is on the minus strand). VCF-style: chr2-27378472-G-C. GRCh37 (hg19) VCF-style: chr2-27601339-G-C.
Other names: c.608C>G, p.Pro203Arg (NM_001201459.2); short protein forms P203R, P265R.
Identifiers: ClinVar variation 1052275 (VCV001052275.9), dbSNP rs768360466, ClinGen allele CA1577963.
Genomic context (GRCh38, chr2:27,378,472, plus strand): 5'-ATTCCTAGGGTCAGCCACCCATGTCCCAAGATCTTTGGTCCCTGGTGTGTCTTACCTTCA[G>C]GTCGCCGGGGCACCGCCCCCTCCTGCTCTGTGGGACTGGGAGGCCGGGCTGGTCGTGGAG-3'
Protein context (NP_653232.3, residues 255-275): TEQEGAVPRR[Pro265Arg]EDALLLPDLS

ClinVar aggregate classification (germline): Uncertain significance (1 of 4 stars; one submission).

Allele frequency attached by ClinVar (database versions not stated): TOPMed 0.00003; gnomAD exomes 0.00009 and 0.00019; ExAC 0.00026.
gnomAD v4.1: 56 of 1,614,112 alleles (0.0035%); highest among the groups gnomAD compares: Admixed American, 0.088%; 2 homozygotes.

Submission:

Labcorp Genetics (formerly Invitae), Labcorp
Classification: Uncertain significance. Last evaluated: 2025-09-20. Review status: criteria provided, single submitter. Criteria: Invitae Variant Classification Sherloc (09022015). Collection method: clinical testing. Allele origin: germline.
Comment: This sequence change replaces proline, which is neutral and non-polar, with arginine, which is basic and polar, at codon 265 of the ZNF513 protein (p.Pro265Arg). This variant is present in population databases (rs768360466, gnomAD 0.1%), and has an allele count higher than expected for a pathogenic variant. This variant has not been reported in the literature in individuals affected with ZNF513-related conditions. ClinVar contains an entry for this variant (Variation ID: 1052275). An algorithm developed to predict the effect of missense changes on protein structure and function (PolyPhen-2) suggests that this variant is likely to be disruptive. In summary, the available evidence is currently insufficient to determine the role of this variant in disease. Therefore, it has been classified as a Variant of Uncertain Significance.